The following is an entry in ClinVar:

ClinVar aggregate classification (germline): Likely benign. Review status: criteria provided, multiple submitters, no conflicts (2 of 4 stars). 3 submissions from 3 submitters: Likely benign (2). 1 of the submissions does not count toward it. Last evaluated 2024-02-13.

Conditions:
PEX16-related disorder. Also called: PEX16-related condition.
Peroxisome biogenesis disorder. Identifiers: Orphanet 79189, MedGen C1832200, MONDO:0019234. Disease mechanism: loss of function.

gnomAD v4.1: 4 of 1,613,062 alleles (0.00025%); highest among the groups gnomAD compares: East Asian, 0.0089%; no homozygotes.

Submissions (3):

Labcorp Genetics (formerly Invitae), Labcorp
Classification: Likely benign for Peroxisome biogenesis disorder. Last evaluated: 2024-02-13. Review status: criteria provided, single submitter. Criteria: Invitae Variant Classification Sherloc (09022015). Collection method: clinical testing. Allele origin: germline.

Blueprint Genetics
Classification: Likely benign. Last evaluated: 2022-03-10. Review status: criteria provided, single submitter. Criteria: ACMG Guidelines, 2015. Collection method: clinical testing. Allele origin: germline.

PreventionGenetics, part of Exact Sciences
Classification: Likely benign for PEX16-related condition. Last evaluated: 2023-02-06. Review status: no assertion criteria provided. Collection method: clinical testing. Allele origin: germline. Not counted in ClinVar's aggregate classification.
Comment: This variant is classified as likely benign based on ACMG/AMP sequence variant interpretation guidelines (Richards et al. 2015 PMID: 25741868, with internal and published modifications).

NM_004813.4(PEX16):c.684G>C (p.Pro228=)

Gene: PEX16 (peroxisomal biogenesis factor 16; minus strand). Cytogenetic location: 11p11.2.
Variant type: single nucleotide variant.
Coding change: c.684G>C on transcript NM_004813.4 (MANE Select); coding-DNA position 684, G replaced by C.
Protein change: p.Pro228=; no amino-acid change (proline 228 retained).
Molecular consequence: synonymous variant.
Genome position (GRCh38, 1-based): chr11:45,914,326, C>G on the plus strand (G>C on the coding strand, the complement: PEX16 is on the minus strand). VCF-style: chr11-45914326-C-G. GRCh37 (hg19) VCF-style: chr11-45935877-C-G.
Other names: c.684G>C, p.Pro228= (NM_057174.3); c.684G>C (NM_004813.2).
Identifiers: ClinVar variation 2737454 (VCV002737454.6), dbSNP rs777904359, ClinGen allele CA473861030.